The following is an entry in ClinVar:

NM_022051.3(EGLN1):c.197G>A (p.Gly66Asp)

Gene: EGLN1 (egl-9 family hypoxia inducible factor 1; minus strand). Cytogenetic location: 1q42.2.
Variant type: single nucleotide variant.
Coding change: c.197G>A on transcript NM_022051.3 (MANE Select); coding-DNA position 197, G replaced by A.
Protein change: p.Gly66Asp; replaces glycine 66 with aspartic acid.
Molecular consequence: missense variant.
Genome position (GRCh38, 1-based): chr1:231,421,692, C>T on the plus strand (G>A on the coding strand, the complement: EGLN1 is on the minus strand). VCF-style: chr1-231421692-C-T. GRCh37 (hg19) VCF-style: chr1-231557438-C-T.
Other names: c.197G>A, p.Gly66Asp (NM_001377260.1, NM_001377261.1); short protein forms G66D.
Identifiers: ClinVar variation 3705762 (VCV003705762.2).

ClinVar aggregate classification (germline): Uncertain significance (1 of 4 stars; one submission).

Conditions:
Erythrocytosis, familial, 3 (ECYT3). Identifiers: Orphanet 247511, MedGen C1853286, MONDO:0012353, OMIM 609820.

Submission:

Labcorp Genetics (formerly Invitae), Labcorp
Classification: Uncertain significance for Erythrocytosis, familial, 3. Last evaluated: 2025-01-02. Review status: criteria provided, single submitter. Criteria: Invitae Variant Classification Sherloc (09022015). Collection method: clinical testing. Allele origin: germline.
Comment: This sequence change replaces glycine, which is neutral and non-polar, with aspartic acid, which is acidic and polar, at codon 66 of the EGLN1 protein (p.Gly66Asp). This variant is not present in population databases (gnomAD no frequency). This variant has not been reported in the literature in individuals affected with EGLN1-related conditions. An algorithm developed to predict the effect of missense changes on protein structure and function (PolyPhen-2) suggests that this variant is likely to be disruptive. In summary, the available evidence is currently insufficient to determine the role of this variant in disease. Therefore, it has been classified as a Variant of Uncertain Significance.